The following is an entry in ClinVar:

NM_000368.5(TSC1):c.2034C>T (p.His678=)

Gene: TSC1 (TSC complex subunit 1; minus strand). Cytogenetic location: 9q34.13.
Variant type: single nucleotide variant.
Coding change: c.2034C>T on transcript NM_000368.5 (MANE Select); coding-DNA position 2034, C replaced by T.
Protein change: p.His678=; no amino-acid change (histidine 678 retained).
Molecular consequence: synonymous variant.
Genome position (GRCh38, 1-based): chr9:132,904,418, G>A on the plus strand (C>T on the coding strand, the complement: TSC1 is on the minus strand). VCF-style: chr9-132904418-G-A. GRCh37 (hg19) VCF-style: chr9-135779805-G-A.
Other names: c.2031C>T, p.His677= (NM_001162426.2); c.1881C>T, p.His627= (NM_001162427.2); c.1671C>T, p.His557= (NM_001362177.2).
Identifiers: ClinVar variation 390975 (VCV000390975.18), dbSNP rs201392975, ClinGen allele CA030732.

ClinVar aggregate classification (germline): Benign/Likely benign. Review status: criteria provided, multiple submitters, no conflicts (2 of 4 stars). 6 submissions from 6 submitters: Benign (3); Likely benign (3). Last evaluated 2025-08-25.

Conditions:
Tuberous sclerosis 1 (TSC1). Identifiers: Orphanet 805, MedGen C1854465, MONDO:0008612, OMIM 191100.
Tuberous sclerosis syndrome (TSC). Also called: Tuberous sclerosis; Tuberous Sclerosis Complex. Identifiers: Orphanet 805, MedGen C0041341, MONDO:0001734.
Hereditary cancer-predisposing syndrome. Also called: Neoplastic Syndromes, Hereditary; Hereditary neoplastic syndrome; Tumor predisposition; Hereditary Cancer Syndrome. Identifiers: Orphanet 140162, MedGen C0027672, MeSH D009386, MONDO:0015356.

Allele frequency attached by ClinVar (database versions not stated): TOPMed below 0.00001; ExAC 0.00002; gnomAD 0.00002; gnomAD exomes 0.00002; 1000 Genomes Project 30x 0.00031; 1000 Genomes Project 0.00040.
gnomAD v4.1: 15 of 1,614,068 alleles (0.00093%); highest among the groups gnomAD compares: East Asian, 0.033%; no homozygotes.

Submissions (6):

Labcorp Genetics (formerly Invitae), Labcorp
Classification: Benign for Tuberous sclerosis 1. Last evaluated: 2025-08-25. Review status: criteria provided, single submitter. Criteria: Invitae Variant Classification Sherloc (09022015). Collection method: clinical testing. Allele origin: germline.

Myriad Genetics, Inc.
Classification: Benign for Tuberous sclerosis 1. Last evaluated: 2025-04-24. Review status: criteria provided, single submitter. Criteria: Myriad Autosomal Dominant, Autosomal Recessive and X-Linked Classification Criteria (2023). Collection method: clinical testing. Allele origin: unknown.
Comment: This variant is considered benign. This variant is a silent/synonymous amino acid change and it is not expected to impact splicing.

All of Us Research Program, National Institutes of Health
Classification: Likely benign for Tuberous sclerosis syndrome. Last evaluated: 2023-12-13. Review status: criteria provided, single submitter. Criteria: ACMG Guidelines, 2015. Collection method: clinical testing. Allele origin: germline. Inheritance: Autosomal dominant inheritance. Observed: 2 variant alleles, 2 heterozygotes.
Comment: This study involves interpretation of variants in research participants for the purpose of population health screening. Participant phenotype was not available at the time of variant classification. Additional details can be found in publication PMID: 35346344, PMCID: PMC8962531

Genome-Nilou Lab
Classification: Benign for Tuberous sclerosis 1. Last evaluated: 2021-11-07. Review status: criteria provided, single submitter. Criteria: ACMG Guidelines, 2015. Collection method: clinical testing. Allele origin: germline. Affected: no.

Ambry Genetics
Classification: Likely benign for Hereditary cancer-predisposing syndrome. Last evaluated: 2020-08-28. Review status: criteria provided, single submitter. Criteria: Ambry Variant Classification Scheme 2023. Collection method: clinical testing. Allele origin: germline.

GeneDx
Classification: Likely benign. Last evaluated: 2016-11-14. Review status: criteria provided, single submitter. Criteria: GeneDx Variant Classification (06012015). Collection method: clinical testing. Allele origin: germline. Affected: yes.
Comment: This variant is considered likely benign or benign based on one or more of the following criteria: it is a conservative change, it occurs at a poorly conserved position in the protein, it is predicted to be benign by multiple in silico algorithms, and/or has population frequency not consistent with disease.